The following is an entry in ClinVar:

NM_198578.4(LRRK2):c.5870G>T (p.Arg1957Leu)

Gene: LRRK2 (leucine rich repeat kinase 2; plus strand). Cytogenetic location: 12q12.
Variant type: single nucleotide variant.
Coding change: c.5870G>T on transcript NM_198578.4 (MANE Select); coding-DNA position 5870, G replaced by T.
Protein change: p.Arg1957Leu; replaces arginine 1957 with leucine.
Molecular consequence: missense variant.
Genome position (GRCh38, 1-based): chr12:40,335,079, G>T. VCF-style: chr12-40335079-G-T. GRCh37 (hg19) VCF-style: chr12-40728881-G-T.
Other names: short protein forms R1957L.
Identifiers: ClinVar variation 465216 (VCV000465216.10), dbSNP rs201012950, ClinGen allele CA6514557.

ClinVar aggregate classification (germline): Uncertain significance. Review status: criteria provided, multiple submitters, no conflicts (2 of 4 stars). 2 submissions from 2 submitters: Uncertain significance (2). Last evaluated 2024-12-10.

Conditions:
Autosomal dominant Parkinson disease 8. Also called: LRRK2-Related Parkinson Disease; Parkinson disease 8; Parkinson disease 8, susceptibility to. Identifiers: Orphanet 411602, MedGen C1846862, MONDO:0011764, OMIM 607060.

Allele frequency attached by ClinVar (database versions not stated): TOPMed 0.00001; gnomAD 0.00003; 1000 Genomes Project 0.00020; 1000 Genomes Project 30x 0.00031.
gnomAD v4.1: 57 of 1,614,042 alleles (0.0035%); highest among the groups gnomAD compares: South Asian, 0.038%; no homozygotes.

Submissions (2):

Labcorp Genetics (formerly Invitae), Labcorp
Classification: Uncertain significance for Autosomal dominant Parkinson disease 8. Last evaluated: 2024-12-10. Review status: criteria provided, single submitter. Criteria: Invitae Variant Classification Sherloc (09022015). Collection method: clinical testing. Allele origin: germline.
Comment: This sequence change replaces arginine, which is basic and polar, with leucine, which is neutral and non-polar, at codon 1957 of the LRRK2 protein (p.Arg1957Leu). This variant is present in population databases (rs201012950, gnomAD 0.05%), and has an allele count higher than expected for a pathogenic variant. This missense change has been observed in individual(s) with early-onset Parkinson's disease (PMID: 32707456). ClinVar contains an entry for this variant (Variation ID: 465216). Invitae Evidence Modeling of protein sequence and biophysical properties (such as structural, functional, and spatial information, amino acid conservation, physicochemical variation, residue mobility, and thermodynamic stability) has been performed for this missense variant. However, the output from this modeling did not meet the statistical confidence thresholds required to predict the impact of this variant on LRRK2 protein function. In summary, the available evidence is currently insufficient to determine the role of this variant in disease. Therefore, it has been classified as a Variant of Uncertain Significance.

Fulgent Genetics
Classification: Uncertain significance for Autosomal dominant Parkinson disease 8. Last evaluated: 2021-08-10. Review status: criteria provided, single submitter. Criteria: ACMG Guidelines, 2015. Collection method: clinical testing. Allele origin: unknown.

Literature cited by the submitters: PubMed 32707456 (cited by Labcorp Genetics (formerly Invitae), Labcorp).